The following is an entry in ClinVar:

ClinVar aggregate classification (germline): Uncertain significance (1 of 4 stars; one submission).

Submission:

Labcorp Genetics (formerly Invitae), Labcorp
Classification: Uncertain significance. Last evaluated: 2025-08-20. Review status: criteria provided, single submitter. Criteria: Invitae Variant Classification Sherloc (09022015). Collection method: clinical testing. Allele origin: germline.
Comment: This sequence change replaces leucine, which is neutral and non-polar, with phenylalanine, which is neutral and non-polar, at codon 133 of the PPP3CA protein (p.Leu133Phe). This variant is not present in population databases (gnomAD no frequency). This variant has not been reported in the literature in individuals affected with PPP3CA-related conditions. Invitae Evidence Modeling of protein sequence and biophysical properties (such as structural, functional, and spatial information, amino acid conservation, physicochemical variation, residue mobility, and thermodynamic stability) indicates that this missense variant is expected to disrupt PPP3CA protein function with a positive predictive value of 80%. In summary, the available evidence is currently insufficient to determine the role of this variant in disease. Therefore, it has been classified as a Variant of Uncertain Significance.

NM_000944.5(PPP3CA):c.399G>T (p.Leu133Phe)

Gene: PPP3CA (protein phosphatase 3 catalytic subunit alpha; minus strand). Cytogenetic location: 4q24.
Variant type: single nucleotide variant.
Coding change: c.399G>T on transcript NM_000944.5 (MANE Select); coding-DNA position 399, G replaced by T.
Protein change: p.Leu133Phe; replaces leucine 133 with phenylalanine.
Molecular consequence: missense variant.
Genome position (GRCh38, 1-based): chr4:101,099,708, C>A on the plus strand (G>T on the coding strand, the complement: PPP3CA is on the minus strand). VCF-style: chr4-101099708-C-A. GRCh37 (hg19) VCF-style: chr4-102020865-C-A.
Other names: c.399G>T, p.Leu133Phe (NM_001130691.2, NM_001130692.2); short protein forms L133F.
Identifiers: ClinVar variation 4704772 (VCV004704772.1).